The following is an entry in ClinVar:

NM_173560.4(RFX6):c.268G>A (p.Ala90Thr)

Gene: RFX6 (regulatory factor X6; plus strand). Cytogenetic location: 6q22.1.
Variant type: single nucleotide variant.
Coding change: c.268G>A on transcript NM_173560.4 (MANE Select); coding-DNA position 268, G replaced by A.
Protein change: p.Ala90Thr; replaces alanine 90 with threonine.
Molecular consequence: missense variant.
Genome position (GRCh38, 1-based): chr6:116,877,840, G>A. VCF-style: chr6-116877840-G-A. GRCh37 (hg19) VCF-style: chr6-117199003-G-A.
Other names: c.268G>A (NM_173560.3); short protein forms A90T.
Identifiers: ClinVar variation 917472 (VCV000917472.5), dbSNP rs377721888, ClinGen allele CA3972981.

ClinVar aggregate classification (germline): Conflicting classifications of pathogenicity. Review status: criteria provided, conflicting classifications (1 of 4 stars). 2 submissions from 2 submitters: Uncertain significance (1); Likely benign (1). Last evaluated 2023-07-14.

Conditions:
Monogenic diabetes. Identifiers: Orphanet 183625, MedGen C3888631, MONDO:0015967.

Allele frequency attached by ClinVar (database versions not stated): gnomAD exomes 0.00006; ExAC 0.00009; ESP Exome Variant Server 0.00038; TOPMed 0.00042; gnomAD 0.00045 and 0.00049.
gnomAD v4.1: 112 of 1,614,002 alleles (0.0069%); highest among the groups gnomAD compares: African/African-American, 0.13%; no homozygotes.

Submissions (2):

GeneDx
Classification: Uncertain significance. Last evaluated: 2023-07-14. Review status: criteria provided, single submitter. Criteria: GeneDx Variant Classification Process June 2021. Collection method: clinical testing. Allele origin: germline. Affected: yes.
Comment: In silico analysis supports that this missense variant does not alter protein structure/function; Has not been previously published as pathogenic or benign to our knowledge

Personalized Diabetes Medicine Program, University of Maryland School of Medicine
Classification: Likely benign for Monogenic diabetes. Last evaluated: 2018-12-21. Review status: criteria provided, single submitter. Criteria: ACMG Guidelines, 2015. Collection method: research. Allele origin: unknown. Observed: 1 variant allele, 1 heterozygote.
Comment: ACMG criteria: BP4 ( REVEL 0.028 + 9 predictors), BP1 (heterozygous variants that cause MODY with reduced penetrance are LOF per PMID: 29026101), BP1 (htz variants that cause MODY with reduced penetrance are LOF per PMID: 29026101) = likely benign

Literature cited by the submitters: PubMed 29026101 (cited by Personalized Diabetes Medicine Program, University of Maryland School of Medicine).